The following is an entry in ClinVar:

ClinVar aggregate classification (germline): Benign (1 of 4 stars; one submission).

Allele frequency attached by ClinVar (database versions not stated): gnomAD exomes 0.00391; gnomAD 0.02829 and 0.03050; TOPMed 0.03200; 1000 Genomes Project 0.03315; 1000 Genomes Project 30x 0.03529.
gnomAD v4.1: 6,640 of 717,884 alleles (0.92%); highest among the groups gnomAD compares: African/African-American, 9.4%; 273 homozygotes.

Submission:

GeneDx
Classification: Benign. Last evaluated: 2018-06-14. Review status: criteria provided, single submitter. Criteria: GeneDx Variant Classification (06012015). Collection method: clinical testing. Allele origin: germline. Affected: yes.
Comment: This variant is considered likely benign or benign based on one or more of the following criteria: it is a conservative change, it occurs at a poorly conserved position in the protein, it is predicted to be benign by multiple in silico algorithms, and/or has population frequency not consistent with disease.

NM_001130438.3(SPTAN1):c.2779-143T>C

Gene: SPTAN1 (spectrin alpha, non-erythrocytic 1; plus strand). Cytogenetic location: 9q34.11.
Variant type: single nucleotide variant.
Coding change: c.2779-143T>C on transcript NM_001130438.3 (MANE Select); 143 bases into the intron before coding-DNA position 2779, T replaced by C.
Molecular consequence: intron variant.
Genome position (GRCh38, 1-based): chr9:128,587,463, T>C. VCF-style: chr9-128587463-T-C. GRCh37 (hg19) VCF-style: chr9-131349742-T-C.
Other names: c.2779-143T>C (NM_001363759.2, NM_003127.4, NM_001363765.2 and 1 more transcripts).
Identifiers: ClinVar variation 677520 (VCV000677520.1), dbSNP rs74813851, ClinGen allele CA200383747.
Genomic context (GRCh38, chr9:128,587,463, plus strand): 5'-ATCATAATATATATGATTGTCCCAAAAGATGAGAATCCTGAAAAACTTTGAAAATGATAT[T>C]AGCACTGTAAGAAGGGCAGGAGGTGATTACGTCATTGTGCAACTGAGAAAGGCTGTTGAG-3'